The following is an entry in ClinVar:

ClinVar aggregate classification (germline): Uncertain significance. Review status: criteria provided, multiple submitters, no conflicts (2 of 4 stars). 2 submissions from 2 submitters: Uncertain significance (2). Last evaluated 2023-09-28.

Allele frequency attached by ClinVar (database versions not stated): gnomAD 0.00001; ExAC 0.00002; gnomAD exomes 0.00002; TOPMed 0.00002.
gnomAD v4.1: 23 of 1,614,040 alleles (0.0014%); highest among the groups gnomAD compares: South Asian, 0.0033%; no homozygotes.

Submissions (2):

Women's Health and Genetics/Laboratory Corporation of America, LabCorp
Classification: Uncertain significance. Last evaluated: 2023-09-28. Review status: criteria provided, single submitter. Criteria: LabCorp Variant Classification Summary - May 2015. Collection method: clinical testing. Allele origin: germline.
Comment: Variant summary: ARCN1 c.479G>A (p.Arg160His) results in a non-conservative amino acid change in the encoded protein sequence. Three of five in-silico tools predict a damaging effect of the variant on protein function. The variant allele was found at a frequency of 2.4e-05 in 251422 control chromosomes (gnomAD). The available data on variant occurrences in the general population are insufficient to allow any conclusion about variant significance. To our knowledge, no occurrence of c.479G>A in individuals affected with Short Stature, Rhizomelic, With Microcephaly, Micrognathia, And Developmental Delay and no experimental evidence demonstrating its impact on protein function have been reported. One submitter has cited a clinical-significance assessment for this variant to ClinVar after 2014 and has classified the variant as uncertain significance. Based on the evidence outlined above, the variant was classified as uncertain significance.

Labcorp Genetics (formerly Invitae), Labcorp
Classification: Uncertain significance. Last evaluated: 2022-11-01. Review status: criteria provided, single submitter. Criteria: Invitae Variant Classification Sherloc (09022015). Collection method: clinical testing. Allele origin: germline.
Comment: This sequence change replaces arginine, which is basic and polar, with histidine, which is basic and polar, at codon 160 of the ARCN1 protein (p.Arg160His). This variant is present in population databases (rs782690322, gnomAD 0.01%). This variant has not been reported in the literature in individuals affected with ARCN1-related conditions. Algorithms developed to predict the effect of missense changes on protein structure and function are either unavailable or do not agree on the potential impact of this missense change (SIFT: "Deleterious"; PolyPhen-2: "Possibly Damaging"; Align-GVGD: "Class C0"). In summary, the available evidence is currently insufficient to determine the role of this variant in disease. Therefore, it has been classified as a Variant of Uncertain Significance.

NM_001655.5(ARCN1):c.479G>A (p.Arg160His)

Gene: ARCN1 (archain 1 coat protein complex I subunit delta; plus strand). Cytogenetic location: 11q23.3.
Variant type: single nucleotide variant.
Coding change: c.479G>A on transcript NM_001655.5 (MANE Select); coding-DNA position 479, G replaced by A.
Protein change: p.Arg160His; replaces arginine 160 with histidine.
Molecular consequence: missense variant.
Genome position (GRCh38, 1-based): chr11:118,583,840, G>A. VCF-style: chr11-118583840-G-A. GRCh37 (hg19) VCF-style: chr11-118454555-G-A.
Other names: c.215G>A, p.Arg72His (NM_001142281.2); short protein forms R72H, R160H.
Identifiers: ClinVar variation 1990454 (VCV001990454.5), dbSNP rs782690322, ClinGen allele CA6306082.